The following is an entry in ClinVar:

ClinVar aggregate classification (germline): Uncertain significance. Review status: criteria provided, multiple submitters, no conflicts (2 of 4 stars). 2 submissions from 2 submitters: Uncertain significance (2). Last evaluated 2026-02-15.

Conditions:
TTN-related disorder. Also called: TTN-related condition; TTN-related disease; TTN-related disorders.

Allele frequency attached by ClinVar (database versions not stated): gnomAD exomes 0.00003; ExAC 0.00004; gnomAD 0.00004; TOPMed 0.00004; ESP Exome Variant Server 0.00008; 1000 Genomes Project 30x 0.00016; 1000 Genomes Project 0.00020.
gnomAD v4.1: 23 of 1,614,058 alleles (0.0014%); highest among the groups gnomAD compares: African/African-American, 0.011%; 1 homozygote.

Submissions (2):

PreventionGenetics, part of Exact Sciences
Classification: Uncertain significance for TTN-related condition. Last evaluated: 2026-02-15. Review status: criteria provided, single submitter. Criteria: ACMG Guidelines, 2015. Collection method: clinical testing. Allele origin: germline.
Comment: The TTN c.9358C>T variant is predicted to result in the amino acid substitution p.Arg3120Trp. To our knowledge, this variant has not been reported in the literature. This variant is reported in 0.013% of alleles in individuals of South Asian descent in gnomAD. At this time, the clinical significance of this variant is uncertain due to the absence of conclusive functional and genetic evidence.

GeneDx
Classification: Uncertain significance. Last evaluated: 2014-10-06. Review status: criteria provided, single submitter. Criteria: GeneDx Variant Classification (06012015). Collection method: clinical testing. Allele origin: germline. Affected: yes.
Comment: Missense variants in the TTN gene are considered 'unclassified' if they are not previously reported in the literature and do not have >1% frequency in the population to be considered a polymorphism. Research indicates that truncating mutations in the TTN gene are expected to account for approximately 25% of familial and 18% of sporadic idiopathic DCM; however, truncating variants in the TTN gene have been reported in approximately 3% of reported control alleles. There has been little investigation into non-truncating variants. (Herman D et al. Truncations of titin causing dilated cardiomyopathy. N Eng J Med 366:619-628, 2012) The variant is found in CARDIOMYOPATHY panel(s).

NM_001267550.2(TTN):c.9358C>T (p.Arg3120Trp)

Gene: TTN (titin; minus strand). Cytogenetic location: 2q31.2.
Variant type: single nucleotide variant.
Coding change: c.9358C>T on transcript NM_001267550.2 (MANE Select); coding-DNA position 9358, C replaced by T.
Protein change: p.Arg3120Trp; replaces arginine 3120 with tryptophan.
Molecular consequence: missense variant.
Genome position (GRCh38, 1-based): chr2:178,767,872, G>A on the plus strand (C>T on the coding strand, the complement: TTN is on the minus strand). VCF-style: chr2-178767872-G-A. GRCh37 (hg19) VCF-style: chr2-179632599-G-A.
Other names: p.R3120W:CGG>TGG; c.9358C>T, p.Arg3120Trp (NM_001256850.1, NM_133378.4, NM_133379.5); c.9220C>T, p.Arg3074Trp (NM_003319.4, NM_133432.3, NM_133437.4); short protein forms R3120W, R3074W.
Identifiers: ClinVar variation 203167 (VCV000203167.3), dbSNP rs149492487, ClinGen allele CA311542.
Genomic context (GRCh38, chr2:178,767,872, plus strand): 5'-GTTTTGCAGTTGACACGTTGCCTCCTGCCACCACTGTGTACTTCCCAGCATCAGACATCC[G>A]GGTGGATGGGATCAGAAGGCGGTGGACATATTTCTCCTTCTGAATCTTTATTCTATGGAT-3'
Protein context (NP_001254479.2, residues 3110-3130): YVHRLLIPST[Arg3120Trp]MSDAGKYTVV